The following is an entry in ClinVar:

ClinVar aggregate classification (germline): Uncertain significance (1 of 4 stars; one submission).

Conditions:
Hereditary cancer-predisposing syndrome. Also called: Hereditary Cancer Syndrome; Hereditary neoplastic syndrome; Tumor predisposition; Neoplastic Syndromes, Hereditary. Identifiers: Orphanet 140162, MedGen C0027672, MeSH D009386, MONDO:0015356.

Submission:

Ambry Genetics
Classification: Uncertain significance for Hereditary cancer-predisposing syndrome. Last evaluated: 2021-12-10. Review status: criteria provided, single submitter. Criteria: Ambry Variant Classification Scheme 2023. Collection method: clinical testing. Allele origin: germline.
Comment: The p.L762R variant (also known as c.2285T>G), located in coding exon 14 of the ATM gene, results from a T to G substitution at nucleotide position 2285. The leucine at codon 762 is replaced by arginine, an amino acid with dissimilar properties. This amino acid position is not well conserved in available vertebrate species. In addition, this alteration is predicted to be tolerated by in silico analysis. Since supporting evidence is limited at this time, the clinical significance of this alteration remains unclear.

NM_000051.4(ATM):c.2285T>G (p.Leu762Arg)

Gene: ATM (ATM serine/threonine kinase; plus strand). Cytogenetic location: 11q22.3.
Variant type: single nucleotide variant.
Coding change: c.2285T>G on transcript NM_000051.4 (MANE Select); coding-DNA position 2285, T replaced by G.
Protein change: p.Leu762Arg; replaces leucine 762 with arginine.
Molecular consequence: missense variant.
Genome position (GRCh38, 1-based): chr11:108,257,515, T>G. VCF-style: chr11-108257515-T-G. GRCh37 (hg19) VCF-style: chr11-108128242-T-G.
Other names: c.2285T>G, p.Leu762Arg (NM_001351834.2); short protein forms L762R.
Identifiers: ClinVar variation 1789007 (VCV001789007.2), dbSNP rs2080576437, ClinGen allele CA382539687.